The following is an entry in ClinVar:

ClinVar aggregate classification (germline): Likely benign. Review status: criteria provided, multiple submitters, no conflicts (2 of 4 stars). 4 submissions from 4 submitters: Likely benign (3). 1 of the submissions does not count toward it. Last evaluated 2024-07-31.

Conditions:
ANK3-related disorder. Also called: ANK3-related condition.

Allele frequency attached by ClinVar (database versions not stated): gnomAD exomes 0.00005 and 0.00016; 1000 Genomes Project 30x 0.00016; ExAC 0.00019; 1000 Genomes Project 0.00020; gnomAD 0.00068 and 0.00076; TOPMed 0.00080; ESP Exome Variant Server 0.00115.
gnomAD v4.1: 184 of 1,613,740 alleles (0.011%); highest among the groups gnomAD compares: African/African-American, 0.23%; no homozygotes.

Submissions (4):

Labcorp Genetics (formerly Invitae), Labcorp
Classification: Likely benign. Last evaluated: 2024-07-31. Review status: criteria provided, single submitter. Criteria: Invitae Variant Classification Sherloc (09022015). Collection method: clinical testing. Allele origin: germline.

Blueprint Genetics
Classification: Likely benign. Last evaluated: 2024-04-11. Review status: criteria provided, single submitter. Criteria: ACMG Guidelines, 2015. Collection method: clinical testing. Allele origin: germline.

Breakthrough Genomics
Classification: Likely benign. Review status: criteria provided, single submitter. Criteria: ACMG Guidelines, 2015. Collection method: not provided. Allele origin: germline. Inheritance: Autosomal recessive inheritance. Affected: yes.

PreventionGenetics, part of Exact Sciences
Classification: Likely benign for ANK3-related condition. Last evaluated: 2022-08-29. Review status: no assertion criteria provided. Collection method: clinical testing. Allele origin: germline. Not counted in ClinVar's aggregate classification.
Comment: This variant is classified as likely benign based on ACMG/AMP sequence variant interpretation guidelines (Richards et al. 2015 PMID: 25741868, with internal and published modifications).

NM_020987.5(ANK3):c.5469A>G (p.Pro1823=)

Gene: ANK3 (ankyrin 3; minus strand). Cytogenetic location: 10q21.2.
Variant type: single nucleotide variant.
Coding change: c.5469A>G on transcript NM_020987.5 (MANE Select); coding-DNA position 5469, A replaced by G.
Protein change: p.Pro1823=; no amino-acid change (proline 1823 retained).
Molecular consequence: synonymous variant. On other transcripts: intron variant (4).
Genome position (GRCh38, 1-based): chr10:60,075,412, T>C on the plus strand (A>G on the coding strand, the complement: ANK3 is on the minus strand). VCF-style: chr10-60075412-T-C. GRCh37 (hg19) VCF-style: chr10-61835170-T-C.
Other names: c.4387+5125A>G (NM_001204403.2); c.4408+5125A>G (NM_001204404.2); c.4405+5125A>G (NM_001320874.2); c.1807+5125A>G (NM_001149.4).
Identifiers: ClinVar variation 716159 (VCV000716159.13), dbSNP rs142398693, ClinGen allele CA5512007.